The following is an entry in ClinVar:

ClinVar aggregate classification (germline): Benign. Review status: criteria provided, multiple submitters, no conflicts (2 of 4 stars). 2 submissions from 2 submitters: Benign (2). Last evaluated 2018-01-12.

Conditions:
Atrial fibrillation, familial, 7 (ATFB7). Identifiers: MedGen C2677106, MONDO:0012828, OMIM 612240.

Allele frequency attached by ClinVar (database versions not stated): 1000 Genomes Project 30x 0.21799; 1000 Genomes Project 0.21905; gnomAD 0.23863; TOPMed 0.24429.

Submissions (2):

Illumina Laboratory Services, Illumina
Classification: Benign for Atrial fibrillation, familial, 7. Last evaluated: 2018-01-12. Review status: criteria provided, single submitter. Criteria: ICSL Variant Classification Criteria 13 December 2019. Collection method: clinical testing. Allele origin: germline.
Comment: This variant was observed in the ICSL laboratory as part of a predisposition screen in an ostensibly healthy population. It had not been previously curated by ICSL or reported in the Human Gene Mutation Database (HGMD: prior to June 1st, 2018), and was therefore a candidate for classification through an automated scoring system. Utilizing variant allele frequency, disease prevalence and penetrance estimates, and inheritance mode, an automated score was calculated to assess if this variant is too frequent to cause the disease. Based on the score and internal cut-off values, a variant classified as benign is not then subjected to further curation. The score for this variant resulted in a classification of benign for this disease.

Breakthrough Genomics
Classification: Benign. Review status: criteria provided, single submitter. Criteria: ACMG Guidelines, 2015. Collection method: not provided. Allele origin: germline. Inheritance: Autosomal dominant inheritance. Affected: yes.

NM_002234.4(KCNA5):c.*508A>T

Gene: KCNA5 (potassium voltage-gated channel subfamily A member 5; plus strand). Cytogenetic location: 12p13.32.
Variant type: single nucleotide variant.
Coding change: c.*508A>T on transcript NM_002234.4 (MANE Select); 508 bases downstream of the stop codon, A replaced by T.
Molecular consequence: 3 prime UTR variant.
Genome position (GRCh38, 1-based): chr12:5,046,497, A>T. VCF-style: chr12-5046497-A-T. GRCh37 (hg19) VCF-style: chr12-5155663-A-T.
Identifiers: ClinVar variation 309342 (VCV000309342.6), dbSNP rs1056468, ClinGen allele CA10642613.